The following is an entry in ClinVar:

NM_001032396.4(PJA1):c.45G>A (p.Ser15=)

Gene: PJA1 (praja ring finger ubiquitin ligase 1; minus strand). Cytogenetic location: Xq13.1.
Variant type: single nucleotide variant.
Coding change: c.45G>A on transcript NM_001032396.4 (MANE Select); coding-DNA position 45, G replaced by A.
Protein change: p.Ser15=; no amino-acid change (serine 15 retained).
Molecular consequence: synonymous variant.
Genome position (GRCh38, 1-based): chrX:69,163,029, C>T on the plus strand (G>A on the coding strand, the complement: PJA1 is on the minus strand). VCF-style: chrX-69163029-C-T. GRCh37 (hg19) VCF-style: chrX-68382872-C-T.
Other names: c.210G>A, p.Ser70= (NM_001382775.1, NM_022368.5, NM_145119.4); c.45G>A, p.Ser15= (NM_001382776.1).
Identifiers: ClinVar variation 2660798 (VCV002660798.24), dbSNP rs767064621, ClinGen allele CA10438512.

ClinVar aggregate classification (germline): Likely benign (1 of 4 stars; one submission).

Allele frequency attached by ClinVar (database versions not stated): gnomAD exomes below 0.00001; TOPMed 0.00002; ExAC 0.00003; gnomAD 0.00003; 1000 Genomes Project 30x 0.00021; 1000 Genomes Project 0.00026.
gnomAD v4.1: 6 of 1,208,797 alleles (0.0005%); highest among the groups gnomAD compares: South Asian, 0.0018%; no homozygotes.

Submission:

CeGaT Center for Human Genetics Tuebingen
Classification: Likely benign. Last evaluated: 2022-05-01. Review status: criteria provided, single submitter. Criteria: CeGaT Center For Human Genetics Tuebingen Variant Classification Criteria Version 2. Collection method: clinical testing. Allele origin: germline. Affected: yes. Observed: 1 variant allele.
Comment: PJA1: BP4, BP7